The following is an entry in ClinVar:

ClinVar aggregate classification (germline): Uncertain significance (1 of 4 stars; one submission).

Conditions:
Emery-Dreifuss muscular dystrophy 5, autosomal dominant (EDMD5). Also called: EMERY-DREIFUSS MUSCULAR DYSTROPHY 5. Identifiers: Orphanet 261, MedGen C2751805, MONDO:0013072, OMIM 612999.

gnomAD v4.1: 15 of 1,613,182 alleles (0.00093%); highest among the groups gnomAD compares: Non-Finnish European, 0.0012%; no homozygotes.

Submission:

Labcorp Genetics (formerly Invitae), Labcorp
Classification: Uncertain significance for Emery-Dreifuss muscular dystrophy 5, autosomal dominant. Last evaluated: 2025-05-01. Review status: criteria provided, single submitter. Criteria: Invitae Variant Classification Sherloc (09022015). Collection method: clinical testing. Allele origin: germline.
Comment: This sequence change replaces aspartic acid, which is acidic and polar, with asparagine, which is neutral and polar, at codon 781 of the SYNE2 protein (p.Asp781Asn). This variant is present in population databases (no rsID available, gnomAD 0.0009%). This variant has not been reported in the literature in individuals affected with SYNE2-related conditions. An algorithm developed to predict the effect of missense changes on protein structure and function (PolyPhen-2) suggests that this variant is likely to be tolerated. In summary, the available evidence is currently insufficient to determine the role of this variant in disease. Therefore, it has been classified as a Variant of Uncertain Significance.

NM_182914.3(SYNE2):c.2341G>A (p.Asp781Asn)

Gene: SYNE2 (spectrin repeat containing nuclear envelope protein 2; plus strand). Cytogenetic location: 14q23.2.
Variant type: single nucleotide variant.
Coding change: c.2341G>A on transcript NM_182914.3 (MANE Select); coding-DNA position 2341, G replaced by A.
Protein change: p.Asp781Asn; replaces aspartic acid 781 with asparagine.
Molecular consequence: missense variant.
Genome position (GRCh38, 1-based): chr14:63,990,438, G>A. VCF-style: chr14-63990438-G-A. GRCh37 (hg19) VCF-style: chr14-64457156-G-A.
Other names: c.2341G>A, p.Asp781Asn (NM_015180.6); short protein forms D781N.
Identifiers: ClinVar variation 4738180 (VCV004738180.1).